The following is an entry in ClinVar:

NM_000051.4(ATM):c.4777-10T>C

Gene: ATM (ATM serine/threonine kinase; plus strand). Cytogenetic location: 11q22.3.
Variant type: single nucleotide variant.
Coding change: c.4777-10T>C on transcript NM_000051.4 (MANE Select); 10 bases into the intron before coding-DNA position 4777, T replaced by C.
Molecular consequence: intron variant.
Genome position (GRCh38, 1-based): chr11:108,294,917, T>C. VCF-style: chr11-108294917-T-C. GRCh37 (hg19) VCF-style: chr11-108165644-T-C.
Other names: c.4777-10T>C (NM_001351834.2).
Identifiers: ClinVar variation 3253778 (VCV003253778.1), dbSNP rs2135833217.

ClinVar aggregate classification (germline): Likely benign (1 of 4 stars; one submission).

Conditions:
Familial cancer of breast. Also called: BREAST CANCER, FAMILIAL; Hereditary breast cancer; hereditary breast carcinoma. Identifiers: Orphanet 227535, MedGen C0346153, MONDO:0016419, OMIM 114480. Disease mechanism: loss of function.

Submission:

Myriad Genetics, Inc.
Classification: Likely benign for Familial cancer of breast. Last evaluated: 2024-05-21. Review status: criteria provided, single submitter. Criteria: Myriad Autosomal Dominant, Autosomal Recessive and X-Linked Classification Criteria (2023). Collection method: clinical testing. Allele origin: unknown.
Comment: This variant is considered likely benign. This variant is intronic and is not expected to impact mRNA splicing.